The following is an entry in ClinVar:

ClinVar aggregate classification (germline): Uncertain significance (1 of 4 stars; one submission).

Submission:

Labcorp Genetics (formerly Invitae), Labcorp
Classification: Uncertain significance. Last evaluated: 2024-12-02. Review status: criteria provided, single submitter. Criteria: Invitae Variant Classification Sherloc (09022015). Collection method: clinical testing. Allele origin: germline.
Comment: This sequence change replaces glutamic acid, which is acidic and polar, with lysine, which is basic and polar, at codon 2499 of the SPEG protein (p.Glu2499Lys). This variant is not present in population databases (gnomAD no frequency). This variant has not been reported in the literature in individuals affected with SPEG-related conditions. ClinVar contains an entry for this variant (Variation ID: 1947595). An algorithm developed to predict the effect of missense changes on protein structure and function (PolyPhen-2) suggests that this variant is likely to be disruptive. In summary, the available evidence is currently insufficient to determine the role of this variant in disease. Therefore, it has been classified as a Variant of Uncertain Significance.

NM_005876.5(SPEG):c.7495G>A (p.Glu2499Lys)

Genes: ASIC4-AS1 (ASIC4 antisense RNA 1; minus strand), SPEG (striated muscle enriched protein kinase; plus strand). Cytogenetic location: 2q35.
Variant type: single nucleotide variant.
Coding change: c.7495G>A on transcript NM_005876.5 (MANE Select); coding-DNA position 7495, G replaced by A.
Protein change: p.Glu2499Lys; replaces glutamic acid 2499 with lysine.
Molecular consequence: missense variant.
Genome position (GRCh38, 1-based): chr2:219,484,958, G>A. VCF-style: chr2-219484958-G-A. GRCh37 (hg19) VCF-style: chr2-220349680-G-A.
Other names: short protein forms E2499K.
Identifiers: ClinVar variation 1947595 (VCV001947595.5), dbSNP rs938835761, ClinGen allele CA65992659.